The following is an entry in ClinVar:

ClinVar aggregate classification (germline): Uncertain significance (1 of 4 stars; one submission).

Conditions:
Neurodevelopmental disorder with or without hyperkinetic movements and seizures, autosomal dominant. Also called: Intellectual disability, autosomal dominant 8. Identifiers: MedGen C3280282, MONDO:0013655, OMIM 614254.

Submission:

Labcorp Genetics (formerly Invitae), Labcorp
Classification: Uncertain significance for Neurodevelopmental disorder with or without hyperkinetic movements and seizures, autosomal dominant. Last evaluated: 2023-07-17. Review status: criteria provided, single submitter. Criteria: Invitae Variant Classification Sherloc (09022015). Collection method: clinical testing. Allele origin: germline.
Comment: This variant results in a copy number gain of the genomic region encompassing exon(s) 1-3 of the GRIN1 gene. This region includes the initiator codon of the gene. This copy number gain extends beyond the assayed region for this gene and therefore may encompass additional genes. As the precise location of this event is unknown, it may be in tandem or it may be located elsewhere in the genome. This variant has not been reported in the literature in individuals affected with GRIN1-related conditions. Experimental studies and prediction algorithms are not available or were not evaluated, and the functional significance of this variant is currently unknown. In summary, the available evidence is currently insufficient to determine the role of this variant in disease. Therefore, it has been classified as a Variant of Uncertain Significance.

NC_000009.11:g.(?_139981452)_(140040374_?)dup

Genes: DPP7 (dipeptidyl peptidase 7; minus strand), GRIN1 (glutamate ionotropic receptor NMDA type subunit 1; plus strand), MAN1B1 (mannosidase alpha class 1B member 1; plus strand). Cytogenetic location: 9q34.3.
Variant type: Duplication.
Identifiers: ClinVar variation 1411697 (VCV001411697.6).